The following is an entry in ClinVar:

NM_001278116.2(L1CAM):c.2597T>A (p.Ile866Asn)

Gene: L1CAM (L1 cell adhesion molecule; minus strand). Cytogenetic location: Xq28.
Variant type: single nucleotide variant.
Coding change: c.2597T>A on transcript NM_001278116.2 (MANE Select); coding-DNA position 2597, T replaced by A.
Protein change: p.Ile866Asn; replaces isoleucine 866 with asparagine.
Molecular consequence: missense variant.
Genome position (GRCh38, 1-based): chrX:153,865,451, A>T on the plus strand (T>A on the coding strand, the complement: L1CAM is on the minus strand). VCF-style: chrX-153865451-A-T. GRCh37 (hg19) VCF-style: chrX-153130906-A-T.
Other names: c.2597T>A, p.Ile866Asn (NM_000425.5, NM_024003.3); c.2582T>A, p.Ile861Asn (NM_001143963.2); short protein forms I861N, I866N.
Identifiers: ClinVar variation 2708253 (VCV002708253.3), dbSNP rs2520975435, ClinGen allele CA415116479.
Genomic context (GRCh38, chrX:153,865,451, plus strand): 5'-CGCAAGCCACTGAGGATGACACTGGTGGTGTTGGCGGGCACCACCACATGGTCTTTGTGG[A>T]TATGTCTCTTGCTGTGCTTCCTCTGACTGCCCTCCCTCCAGTACGTCACCTGCACAAGCG-3'
Protein context (NP_001265045.1, residues 856-876): GSQRKHSKRH[Ile866Asn]HKDHVVVPAN

ClinVar aggregate classification (germline): Uncertain significance (1 of 4 stars; one submission).

Conditions:
Spastic paraplegia. Identifiers: MedGen C0037772, HP:0001258.

Allele frequency attached by ClinVar (database versions not stated): gnomAD exomes below 0.00001.
gnomAD v4.1: 1 of 1,211,115 alleles (0.000083%); highest among the groups gnomAD compares: Non-Finnish European, 0.00011%; no homozygotes.

Submission:

Labcorp Genetics (formerly Invitae), Labcorp
Classification: Uncertain significance for Spastic paraplegia. Last evaluated: 2023-06-11. Review status: criteria provided, single submitter. Criteria: Invitae Variant Classification Sherloc (09022015). Collection method: clinical testing. Allele origin: germline.
Comment: In summary, the available evidence is currently insufficient to determine the role of this variant in disease. Therefore, it has been classified as a Variant of Uncertain Significance. Advanced modeling of protein sequence and biophysical properties (such as structural, functional, and spatial information, amino acid conservation, physicochemical variation, residue mobility, and thermodynamic stability) performed at Invitae indicates that this missense variant is not expected to disrupt L1CAM protein function. This variant has not been reported in the literature in individuals affected with L1CAM-related conditions. This variant is not present in population databases (gnomAD no frequency). This sequence change replaces isoleucine, which is neutral and non-polar, with asparagine, which is neutral and polar, at codon 866 of the L1CAM protein (p.Ile866Asn).